The following is an entry in ClinVar:

ClinVar aggregate classification (germline): Likely pathogenic (1 of 4 stars; one submission).

Conditions:
Lysosomal acid lipase deficiency. Also called: Acid cholesteryl ester hydrolase deficiency, type 2. Identifiers: Orphanet 275761, MedGen C5574740, MONDO:0800449, MONDO:0010204.

Submission:

Myriad Genetics, Inc.
Classification: Likely pathogenic for Cholesteryl ester storage disease. Last evaluated: 2022-01-23. Review status: criteria provided, single submitter. Criteria: Myriad Women's Health Autosomal Recessive and X-Linked Classification Criteria (2021). Collection method: clinical testing. Allele origin: unknown.
Comment: NM_000235.2(LIPA):c.226A>T(K76*) is expected to be pathogenic in the context of lysosomal acid lipase deficiency. This variant is predicted to lead to an abnormal or absent protein product due to the creation of a premature termination codon in LIPA, a gene where loss-of-function variants are known to be pathogenic. Please note: this variant was assessed in the context of healthy population screening.

NM_000235.4(LIPA):c.226A>T (p.Lys76Ter)

Gene: LIPA (lipase A, lysosomal acid type; minus strand). Cytogenetic location: 10q23.31.
Variant type: single nucleotide variant.
Coding change: c.226A>T on transcript NM_000235.4 (MANE Select); coding-DNA position 226, A replaced by T.
Protein change: p.Lys76Ter; replaces lysine 76 with a stop codon.
Molecular consequence: nonsense. On other transcripts: intron variant (1).
Genome position (GRCh38, 1-based): chr10:89,245,679, T>A on the plus strand (A>T on the coding strand, the complement: LIPA is on the minus strand). VCF-style: chr10-89245679-T-A. GRCh37 (hg19) VCF-style: chr10-91005436-T-A.
Other names: c.226A>T, p.Lys76Ter (NM_001127605.3); c.-120+6058A>T (NM_001288979.2); short protein forms K76*.
Identifiers: ClinVar variation 1723993 (VCV001723993.2), dbSNP rs2495640695, ClinGen allele CA377518177.